The following is an entry in ClinVar:

NM_012418.4(FSCN2):c.298T>G (p.Trp100Gly)

Gene: FSCN2 (fascin actin-bundling protein 2, retinal; plus strand). Cytogenetic location: 17q25.3.
Variant type: single nucleotide variant.
Coding change: c.298T>G on transcript NM_012418.4 (MANE Select); coding-DNA position 298, T replaced by G.
Protein change: p.Trp100Gly; replaces tryptophan 100 with glycine.
Molecular consequence: missense variant.
Genome position (GRCh38, 1-based): chr17:81,528,829, T>G. VCF-style: chr17-81528829-T-G. GRCh37 (hg19) VCF-style: chr17-79495855-T-G.
Other names: c.298T>G, p.Trp100Gly (NM_001077182.3); short protein forms W100G.
Identifiers: ClinVar variation 1488486 (VCV001488486.8), dbSNP rs782704952, ClinGen allele CA8836636.

ClinVar aggregate classification (germline): Uncertain significance (1 of 4 stars; one submission).

Allele frequency attached by ClinVar (database versions not stated): gnomAD 0.00001 and 0.00002; TOPMed 0.00001; gnomAD exomes 0.00002 and 0.00005; ExAC 0.00039.
gnomAD v4.1: 29 of 1,557,596 alleles (0.0019%); highest among the groups gnomAD compares: Non-Finnish European, 0.0023%; no homozygotes.

Submission:

Labcorp Genetics (formerly Invitae), Labcorp
Classification: Uncertain significance. Last evaluated: 2025-12-11. Review status: criteria provided, single submitter. Criteria: Invitae Variant Classification Sherloc (09022015). Collection method: clinical testing. Allele origin: germline.
Comment: This sequence change replaces tryptophan, which is neutral and slightly polar, with glycine, which is neutral and non-polar, at codon 100 of the FSCN2 protein (p.Trp100Gly). This variant is present in population databases (rs782704952, gnomAD 0.01%). This variant has not been reported in the literature in individuals affected with FSCN2-related conditions. ClinVar contains an entry for this variant (Variation ID: 1488486). An algorithm developed to predict the effect of missense changes on protein structure and function (PolyPhen-2) suggests that this variant is likely to be disruptive. In summary, the available evidence is currently insufficient to determine the role of this variant in disease. Therefore, it has been classified as a Variant of Uncertain Significance.